The following is an entry in ClinVar:

ClinVar aggregate classification (germline): Benign. Review status: criteria provided, multiple submitters, no conflicts (2 of 4 stars). 3 submissions from 3 submitters: Benign (2). 1 of the submissions does not count toward it. Last evaluated 2026-02-01.

Conditions:
DYNC2LI1-related disorder. Also called: DYNC2LI1-related condition.

Allele frequency attached by ClinVar (database versions not stated): gnomAD exomes 0.00075 and 0.00239; ExAC 0.00301; 1000 Genomes Project 0.00919; gnomAD 0.00928 and 0.00996; 1000 Genomes Project 30x 0.00984; TOPMed 0.01044; ESP Exome Variant Server 0.01199.

Submissions (3):

Labcorp Genetics (formerly Invitae), Labcorp
Classification: Benign. Last evaluated: 2026-02-01. Review status: criteria provided, single submitter. Criteria: Invitae Variant Classification Sherloc (09022015). Collection method: clinical testing. Allele origin: germline.

Breakthrough Genomics
Classification: Benign. Review status: criteria provided, single submitter. Criteria: ACMG Guidelines, 2015. Collection method: not provided. Allele origin: germline. Inheritance: Autosomal recessive inheritance. Affected: yes.

PreventionGenetics, part of Exact Sciences
Classification: Benign for DYNC2LI1-related condition. Last evaluated: 2019-02-19. Review status: no assertion criteria provided. Collection method: clinical testing. Allele origin: germline. Not counted in ClinVar's aggregate classification.
Comment: This variant is classified as benign based on ACMG/AMP sequence variant interpretation guidelines (Richards et al. 2015 PMID: 25741868, with internal and published modifications).

NM_016008.4(DYNC2LI1):c.491T>C (p.Met164Thr)

Gene: DYNC2LI1 (dynein cytoplasmic 2 light intermediate chain 1; plus strand). Cytogenetic location: 2p21.
Variant type: single nucleotide variant.
Coding change: c.491T>C on transcript NM_016008.4 (MANE Select); coding-DNA position 491, T replaced by C.
Protein change: p.Met164Thr; replaces methionine 164 with threonine.
Molecular consequence: missense variant.
Genome position (GRCh38, 1-based): chr2:43,794,627, T>C. VCF-style: chr2-43794627-T-C. GRCh37 (hg19) VCF-style: chr2-44021766-T-C.
Other names: c.491T>C, p.Met164Thr (NM_001193464.2, NM_001348912.2, NM_001348913.2 and 1 more transcripts); short protein forms M164T.
Identifiers: ClinVar variation 788955 (VCV000788955.14), dbSNP rs115529828, ClinGen allele CA1635846.